The following is an entry in ClinVar:

ClinVar aggregate classification (germline): Likely benign. Review status: criteria provided, multiple submitters, no conflicts (2 of 4 stars). 2 submissions from 2 submitters: Likely benign (2). Last evaluated 2026-04-25.

Conditions:
Hereditary insensitivity to pain with anhidrosis (CIPA). Also called: NTRK1 Congenital Insensitivity to Pain with Anhidrosis; INSENSITIVITY TO PAIN, CONGENITAL, WITH ANHIDROSIS; FAMILIAL DYSAUTONOMIA, TYPE II; hereditary sensory and autonomic neuropathy type 4; NEUROPATHY, CONGENITAL SENSORY, WITH ANHIDROSIS; HSAN Type IV. Identifiers: Orphanet 642, MedGen C0020074, MONDO:0009746, OMIM 256800.
NTRK1-related disorder. Also called: NTRK1-related condition.

Allele frequency attached by ClinVar (database versions not stated): gnomAD 0.00001; TOPMed 0.00001.

Submissions (2):

PreventionGenetics, part of Exact Sciences
Classification: Likely benign for NTRK1-related condition. Last evaluated: 2026-04-25. Review status: criteria provided, single submitter. Criteria: ACMG Guidelines, 2015. Collection method: clinical testing. Allele origin: germline.
Comment: This variant is classified as likely benign based on ACMG/AMP sequence variant interpretation guidelines (Richards et al. 2015 PMID: 25741868, with internal and published modifications).

Labcorp Genetics (formerly Invitae), Labcorp
Classification: Likely benign for Hereditary insensitivity to pain with anhidrosis. Last evaluated: 2022-12-08. Review status: criteria provided, single submitter. Criteria: Invitae Variant Classification Sherloc (09022015). Collection method: clinical testing. Allele origin: germline.

NM_002529.4(NTRK1):c.108C>T (p.Cys36=)

Gene: NTRK1 (neurotrophic receptor tyrosine kinase 1; plus strand). Cytogenetic location: 1q23.1.
Variant type: single nucleotide variant.
Coding change: c.108C>T on transcript NM_002529.4 (MANE Select); coding-DNA position 108, C replaced by T.
Protein change: p.Cys36=; no amino-acid change (cysteine 36 retained).
Molecular consequence: synonymous variant. On other transcripts: intron variant (1).
Genome position (GRCh38, 1-based): chr1:156,861,042, C>T. VCF-style: chr1-156861042-C-T. GRCh37 (hg19) VCF-style: chr1-156830834-C-T.
Other names: c.108C>T, p.Cys36= (NM_001007204.1, NM_001012331.2); c.123-3312C>T (NM_001007792.1).
Identifiers: ClinVar variation 2185711 (VCV002185711.5), dbSNP rs1252701624, ClinGen allele CA421134556.